The following is an entry in ClinVar:

ClinVar aggregate classification (germline): Pathogenic (1 of 4 stars; one submission).

Conditions:
Cardiovascular phenotype. Identifiers: MedGen CN230736.
Hereditary cancer-predisposing syndrome. Also called: Neoplastic Syndromes, Hereditary; Tumor predisposition; Hereditary Cancer Syndrome; Hereditary neoplastic syndrome. Identifiers: Orphanet 140162, MedGen C0027672, MeSH D009386, MONDO:0015356.

Submission:

Ambry Genetics
Classification: Pathogenic for Cardiovascular phenotype; Hereditary cancer-predisposing syndrome. Last evaluated: 2017-03-13. Review status: criteria provided, single submitter. Criteria: Ambry Variant Classification Scheme 2023. Collection method: clinical testing. Allele origin: germline.
Comment: The c.2934delC pathogenic mutation, located in coding exon 22 of the NF1 gene, results from a deletion of one nucleotide at position 2934, causing a translational frameshift with a predicted alternate stop codon (p.S979Afs*5). This alteration is expected to result in loss of function by premature protein truncation or nonsense-mediated mRNA decay. As such, this alteration is interpreted as a disease-causing mutation.

NM_001042492.3(NF1):c.2934del (p.Ser979fs)

Gene: NF1 (neurofibromin 1; plus strand). Cytogenetic location: 17q11.2.
Variant type: Deletion.
Coding change: c.2934del on transcript NM_001042492.3 (MANE Select); coding-DNA position 2934, one base deleted (C; older notation c.2934delC).
Protein change: p.Ser979fs; shifts the reading frame from serine 979.
Molecular consequence: frameshift variant.
Genome position (GRCh38, 1-based): chr17:31,229,918, C deleted. VCF-style (leftmost placement, unchanged base first): chr17-31229917-GC-G. GRCh37 (hg19) VCF-style: chr17-29556935-GC-G.
Other names: c.2934delC (NM_000267.3); c.2934delC, p.Ser979Alafs (NM_000267.4); short protein forms S979fs.
Identifiers: ClinVar variation 481979 (VCV000481979.5), dbSNP rs1555614448, ClinGen allele CA658656551.
Genomic context (GRCh38, chr17:31,229,917, plus strand): 5'-CTCAATTTGTAGAACAAACCATAGCTATAATGAAGAACTTGCTAGATAATCATACTGAAG[GC>G]AGCTCTGAACATCTAGGGCAAGCTAGCATTGAAACAATGATGTTAAATCTGGTCAGGTAA-3'